The following is an entry in ClinVar:

ClinVar aggregate classification (germline): Uncertain significance (1 of 4 stars; one submission).

gnomAD v4.1: 9 of 1,603,404 alleles (0.00056%); highest among the groups gnomAD compares: South Asian, 0.009%; no homozygotes.

Submission:

GeneDx
Classification: Uncertain significance. Last evaluated: 2025-05-23. Review status: criteria provided, single submitter. Criteria: GeneDx Variant Classification Process June 2021. Collection method: clinical testing. Allele origin: germline. Affected: yes.
Comment: Has not been previously published as pathogenic or benign to our knowledge; In silico analysis does not support a benign or deleterious effect of this variant on protein structure/function

NM_006158.5(NEFL):c.32C>T (p.Ser11Leu)

Gene: NEFL (neurofilament light chain; minus strand). Cytogenetic location: 8p21.2.
Variant type: single nucleotide variant.
Coding change: c.32C>T on transcript NM_006158.5 (MANE Select); coding-DNA position 32, C replaced by T.
Protein change: p.Ser11Leu; replaces serine 11 with leucine.
Molecular consequence: missense variant.
Genome position (GRCh38, 1-based): chr8:24,956,484, G>A on the plus strand (C>T on the coding strand, the complement: NEFL is on the minus strand). VCF-style: chr8-24956484-G-A. GRCh37 (hg19) VCF-style: chr8-24813998-G-A.
Other names: short protein forms S11L.
Identifiers: ClinVar variation 4530737 (VCV004530737.1).